The following is an entry in ClinVar:

NM_001099922.3(ALG13):c.856A>G (p.Lys286Glu)

Gene: ALG13 (ALG13 UDP-N-acetylglucosaminyltransferase subunit; plus strand). Cytogenetic location: Xq23.
Variant type: single nucleotide variant.
Coding change: c.856A>G on transcript NM_001099922.3 (MANE Select); coding-DNA position 856, A replaced by G.
Protein change: p.Lys286Glu; replaces lysine 286 with glutamic acid.
Molecular consequence: missense variant.
Genome position (GRCh38, 1-based): chrX:111,711,696, A>G. VCF-style: chrX-111711696-A-G. GRCh37 (hg19) VCF-style: chrX-110954924-A-G.
Other names: c.544A>G, p.Lys182Glu (NM_001257230.2, NM_001257234.2, NM_001257237.2 and 1 more transcripts); c.622A>G, p.Lys208Glu (NM_001257231.2); c.856A>G, p.Lys286Glu (NM_001324292.2); short protein forms K182E, K208E, K286E.
Identifiers: ClinVar variation 3252961 (VCV003252961.1), dbSNP rs2525631052.

ClinVar aggregate classification (germline): Uncertain significance (1 of 4 stars; one submission).

Allele frequency attached by ClinVar (database versions not stated): gnomAD exomes 0.00001.

Submission:

GeneDx
Classification: Uncertain significance. Last evaluated: 2023-12-10. Review status: criteria provided, single submitter. Criteria: GeneDx Variant Classification Process June 2021. Collection method: clinical testing. Allele origin: germline. Affected: yes.
Comment: Not observed at significant frequency in large population cohorts (gnomAD); In silico analysis supports that this missense variant does not alter protein structure/function; Has not been previously published as pathogenic or benign to our knowledge